The following is an entry in ClinVar:

NM_001143854.2(RPH3A):c.1314G>A (p.Pro438=)

Gene: RPH3A (rabphilin 3A; plus strand). Cytogenetic location: 12q24.13.
Variant type: single nucleotide variant.
Coding change: c.1314G>A on transcript NM_001143854.2 (MANE Select); coding-DNA position 1314, G replaced by A.
Protein change: p.Pro438=; no amino-acid change (proline 438 retained).
Molecular consequence: synonymous variant. On other transcripts: non-coding transcript variant (2).
Genome position (GRCh38, 1-based): chr12:112,881,834, G>A. VCF-style: chr12-112881834-G-A. GRCh37 (hg19) VCF-style: chr12-113319639-G-A.
Other names: NC_000012.11:g.113319639G>A; c.1113G>A, p.Pro371= (NM_001347955.2); c.1302G>A, p.Pro434= (NM_014954.4); c.1314G>A, p.Pro438= (NM_001347954.2, NM_001347952.2, NM_001347953.1); c.1314G>A (NM_001347952.1).
Identifiers: ClinVar variation 4380080 (VCV004380080.2).

ClinVar aggregate classification (germline): Likely benign (1 of 4 stars; one submission).

Conditions:
RPH3A-related condition.

gnomAD v4.1: 146 of 1,611,584 alleles (0.0091%); highest among the groups gnomAD compares: African/African-American, 0.099%; no homozygotes.

Submissions (2):

PreventionGenetics, part of Exact Sciences
Classification: Likely benign for RPH3A-related condition. Last evaluated: 2026-01-22. Review status: criteria provided, single submitter. Criteria: ACMG Guidelines, 2015. Collection method: clinical testing. Allele origin: germline.
Comment: This variant is classified as likely benign based on ACMG/AMP sequence variant interpretation guidelines (Richards et al. 2015 PMID: 25741868, with internal and published modifications).

Dr. Peter K. Rogan Lab, Western University
No classification provided (evidence only). Condition: Familial cancer of breast. Review status: no classification provided. Collection method: in vitro. Allele origin: not applicable. Functional consequence: retained intron. Not counted in ClinVar's aggregate classification.